The following is an entry in ClinVar:

ClinVar aggregate classification (germline): Uncertain significance (1 of 4 stars; one submission).

Allele frequency attached by ClinVar (database versions not stated): gnomAD exomes 0.00001.
gnomAD v4.1: 17 of 1,576,780 alleles (0.0011%); highest among the groups gnomAD compares: Non-Finnish European, 0.0014%; no homozygotes.

Submission:

Labcorp Genetics (formerly Invitae), Labcorp
Classification: Uncertain significance. Last evaluated: 2023-07-16. Review status: criteria provided, single submitter. Criteria: Invitae Variant Classification Sherloc (09022015). Collection method: clinical testing. Allele origin: germline.
Comment: In summary, the available evidence is currently insufficient to determine the role of this variant in disease. Therefore, it has been classified as a Variant of Uncertain Significance. This sequence change replaces valine, which is neutral and non-polar, with leucine, which is neutral and non-polar, at codon 101 of the IMPG1 protein (p.Val101Leu). This variant is not present in population databases (gnomAD no frequency). This variant has not been reported in the literature in individuals affected with IMPG1-related conditions. ClinVar contains an entry for this variant (Variation ID: 1429277). An algorithm developed to predict the effect of missense changes on protein structure and function (PolyPhen-2) suggests that this variant is likely to be disruptive. Algorithms developed to predict the effect of sequence changes on RNA splicing suggest that this variant may disrupt the consensus splice site.

NM_001563.4(IMPG1):c.301G>C (p.Val101Leu)

Gene: IMPG1 (interphotoreceptor matrix proteoglycan 1; minus strand). Cytogenetic location: 6q14.1.
Variant type: single nucleotide variant.
Coding change: c.301G>C on transcript NM_001563.4 (MANE Select); coding-DNA position 301, G replaced by C.
Protein change: p.Val101Leu; replaces valine 101 with leucine.
Molecular consequence: missense variant. On other transcripts: intron variant (1).
Genome position (GRCh38, 1-based): chr6:76,041,893, C>G on the plus strand (G>C on the coding strand, the complement: IMPG1 is on the minus strand). VCF-style: chr6-76041893-C-G. GRCh37 (hg19) VCF-style: chr6-76751610-C-G.
Other names: c.68-7106G>C (NM_001282368.2); short protein forms V101L.
Identifiers: ClinVar variation 1429277 (VCV001429277.8), dbSNP rs2127594509, ClinGen allele CA364829526.
Genomic context (GRCh38, chr6:76,041,893, plus strand): 5'-TGAATGAAAGGGAAGGGATGGAAATAACACAAGGCTAAACGGTTTCATCTCTTTCCTTAC[C>G]TCTCAATCTATAATAAGCTTGAAGACTGTCTAAAATCTGTTTCATGGATTCCTGTGGACA-3'
Protein context (NP_001554.2, residues 91-111): DSLQAYYRLR[Val101Leu]CQEAVWEAYR